The following is an entry in ClinVar:

NM_004655.4(AXIN2):c.202C>T (p.Arg68Trp)

Gene: AXIN2 (axin 2; minus strand). Cytogenetic location: 17q24.1.
Variant type: single nucleotide variant.
Coding change: c.202C>T on transcript NM_004655.4 (MANE Select); coding-DNA position 202, C replaced by T.
Protein change: p.Arg68Trp; replaces arginine 68 with tryptophan.
Molecular consequence: missense variant.
Genome position (GRCh38, 1-based): chr17:65,558,419, G>A on the plus strand (C>T on the coding strand, the complement: AXIN2 is on the minus strand). VCF-style: chr17-65558419-G-A. GRCh37 (hg19) VCF-style: chr17-63554537-G-A.
Other names: c.202C>T, p.Arg68Trp (NM_001363813.1); short protein forms R68W.
Identifiers: ClinVar variation 2820223 (VCV002820223.4), dbSNP rs2144589777, ClinGen allele CA400681905.

ClinVar aggregate classification (germline): Uncertain significance. Review status: criteria provided, multiple submitters, no conflicts (2 of 4 stars). 2 submissions from 2 submitters: Uncertain significance (2). Last evaluated 2026-06-29.

Conditions:
Hereditary cancer-predisposing syndrome. Also called: Hereditary Cancer Syndrome; Hereditary neoplastic syndrome; Neoplastic Syndromes, Hereditary; Tumor predisposition. Identifiers: Orphanet 140162, MedGen C0027672, MeSH D009386, MONDO:0015356.
Oligodontia-cancer predisposition syndrome. Also called: TOOTH AGENESIS-COLORECTAL CANCER SYNDROME. Identifiers: Orphanet 300576, MedGen C1837750, MONDO:0012075, OMIM 608615. Disease mechanism: loss of function.

Allele frequency attached by ClinVar (database versions not stated): gnomAD exomes below 0.00001.

Submissions (2):

Ambry Genetics
Classification: Uncertain significance for Hereditary cancer-predisposing syndrome. Last evaluated: 2026-06-29. Review status: criteria provided, single submitter. Criteria: Ambry Variant Classification Scheme 2023. Collection method: clinical testing. Allele origin: germline.
Comment: The p.R68W variant (also known as c.202C>T), located in coding exon 1 of the AXIN2 gene, results from a C to T substitution at nucleotide position 202. The arginine at codon 68 is replaced by tryptophan, an amino acid with dissimilar properties. This amino acid position is not well conserved in available vertebrate species. In addition, this alteration is predicted to be tolerated by in silico analysis. Based on the available evidence, the clinical significance of this variant remains unclear.

Labcorp Genetics (formerly Invitae), Labcorp
Classification: Uncertain significance for Oligodontia-cancer predisposition syndrome. Last evaluated: 2024-02-12. Review status: criteria provided, single submitter. Criteria: Invitae Variant Classification Sherloc (09022015). Collection method: clinical testing. Allele origin: germline.
Comment: This sequence change replaces arginine, which is basic and polar, with tryptophan, which is neutral and slightly polar, at codon 68 of the AXIN2 protein (p.Arg68Trp). This variant is not present in population databases (gnomAD no frequency). This variant has not been reported in the literature in individuals affected with AXIN2-related conditions. Advanced modeling of protein sequence and biophysical properties (such as structural, functional, and spatial information, amino acid conservation, physicochemical variation, residue mobility, and thermodynamic stability) performed at Invitae indicates that this missense variant is not expected to disrupt AXIN2 protein function with a negative predictive value of 80%. In summary, the available evidence is currently insufficient to determine the role of this variant in disease. Therefore, it has been classified as a Variant of Uncertain Significance.